The following is an entry in ClinVar:

NM_001005242.3(PKP2):c.1379-1983C>G

Gene: PKP2 (plakophilin 2; minus strand). Cytogenetic location: 12p11.21.
Variant type: single nucleotide variant.
Coding change: c.1379-1983C>G on transcript NM_001005242.3 (MANE Select); 1983 bases into the intron before coding-DNA position 1379, C replaced by G.
Molecular consequence: intron variant. On other transcripts: missense variant (1).
Genome position (GRCh38, 1-based): chr12:32,843,188, G>C on the plus strand (C>G on the coding strand, the complement: PKP2 is on the minus strand). VCF-style: chr12-32843188-G-C. GRCh37 (hg19) VCF-style: chr12-32996122-G-C.
Other names: c.1504C>G, p.Gln502Glu (NM_004572.4); short protein forms Q502E.
Identifiers: ClinVar variation 918534 (VCV000918534.10), dbSNP rs377000496, ClinGen allele CA235250420.

ClinVar aggregate classification (germline): Uncertain significance. Review status: criteria provided, multiple submitters, no conflicts (2 of 4 stars). 4 submissions from 4 submitters: Uncertain significance (4). Last evaluated 2025-12-01.

Conditions:
PKP2-related disorder. Also called: PKP2-related condition.
Arrhythmogenic right ventricular cardiomyopathy (ARVD). Also called: Cardiomyopathy, ARVC; Arrhythmogenic right ventricular dysplasia; Arrhythmogenic cardiomyopathy; Arrhythmogenic Right Ventricular Cardiomyopathy (ARVC). Identifiers: Orphanet 247, MedGen C0349788, MeSH D019571, MONDO:0016587. Disease mechanism: loss of function. Inheritance: Various modes of inheritance.
Arrhythmogenic right ventricular dysplasia 9 (ARVD9). Also called: Arrhythmogenic Right Ventricular Dysplasia/Cardiomyopathy 9; ARRHYTHMOGENIC RIGHT VENTRICULAR DYSPLASIA, FAMILIAL, 9. Identifiers: MedGen C1836906, MONDO:0012180, OMIM 609040.
Cardiomyopathy (CMYO). Also called: Cardiomyopathies. Identifiers: Orphanet 167848, MedGen C0878544, MONDO:0004994, HP:0001638. Inheritance: Various modes of inheritance.

Allele frequency attached by ClinVar (database versions not stated): gnomAD 0.00001; TOPMed 0.00001; ESP Exome Variant Server 0.00008.
gnomAD v4.1: 2 of 519,814 alleles (0.00038%); highest among the groups gnomAD compares: African/African-American, 0.0039%; no homozygotes.

Submissions (4):

PreventionGenetics, part of Exact Sciences
Classification: Uncertain significance for PKP2-related condition. Last evaluated: 2025-12-01. Review status: criteria provided, single submitter. Criteria: ACMG Guidelines, 2015. Collection method: clinical testing. Allele origin: germline.
Comment: The PKP2 c.1504C>G variant is predicted to result in the amino acid substitution p.Gln502Glu. To our knowledge, this variant has not been reported in the literature or in a large population database (gnomAD), indicating this variant is rare. At this time, the clinical significance of this variant is uncertain due to the absence of conclusive functional and genetic evidence.

Color Diagnostics, LLC DBA Color Health
Classification: Uncertain significance for Cardiomyopathy. Last evaluated: 2024-03-06. Review status: criteria provided, single submitter. Criteria: ACMG Guidelines, 2015. Collection method: clinical testing. Allele origin: germline.
Comment: This missense variant replaces glutamine with glutamic acid at codon 502 of the PKP2 protein. Computational prediction suggests that this variant may not impact protein structure and function (internally defined REVEL score threshold <= 0.5, PMID: 27666373). To our knowledge, functional studies have not been reported for this variant. This variant has not been reported in individuals affected with cardiovascular disorders in the literature. This variant has not been identified in the general population by the Genome Aggregation Database (gnomAD). The available evidence is insufficient to determine the role of this variant in disease conclusively. Therefore, this variant is classified as a Variant of Uncertain Significance.

Labcorp Genetics (formerly Invitae), Labcorp
Classification: Uncertain significance for Arrhythmogenic right ventricular dysplasia 9. Last evaluated: 2023-10-05. Review status: criteria provided, single submitter. Criteria: Invitae Variant Classification Sherloc (09022015). Collection method: clinical testing. Allele origin: germline.
Comment: This sequence change replaces glutamine, which is neutral and polar, with glutamic acid, which is acidic and polar, at codon 502 of the PKP2 protein (p.Gln502Glu). This variant is not present in population databases (gnomAD no frequency). This variant has not been reported in the literature in individuals affected with PKP2-related conditions. ClinVar contains an entry for this variant (Variation ID: 918534). An algorithm developed to predict the effect of missense changes on protein structure and function (PolyPhen-2) suggests that this variant is likely to be tolerated. In summary, the available evidence is currently insufficient to determine the role of this variant in disease. Therefore, it has been classified as a Variant of Uncertain Significance.

All of Us Research Program, National Institutes of Health
Classification: Uncertain significance for Arrhythmogenic right ventricular cardiomyopathy. Last evaluated: 2023-08-15. Review status: criteria provided, single submitter. Criteria: ACMG Guidelines, 2015. Collection method: clinical testing. Allele origin: germline. Inheritance: Autosomal dominant inheritance. Observed: 1 variant allele, 1 heterozygote.
Comment: Variant of Uncertain Significance due to insufficient evidence: This missense variant replaces glutamine with glutamic acid at codon 502 of the PKP2 protein. Computational prediction tools and conservation analyses suggest that this variant may not impact the protein function. Computational splicing tools suggest that this variant may not impact RNA splicing. To our knowledge, functional assays have not been performed for this variant nor has this variant been reported in individuals affected with cardiovascular disorders in the literature. This variant is rare in the general population and has been identified in 0/277264 chromosomes by the Genome Aggregation Database (gnomAD). Available evidence is insufficient to determine the role of this variant in disease conclusively.

This study involves interpretation of variants in research participants for the purpose of population health screening. Participant phenotype was not available at the time of variant classification. Additional details can be found in publication PMID: 35346344, PMCID: PMC8962531